The following is an entry in ClinVar:

NM_003816.3(ADAM9):c.2120T>C (p.Val707Ala)

Gene: ADAM9 (ADAM metallopeptidase domain 9; plus strand). Cytogenetic location: 8p11.22.
Variant type: single nucleotide variant.
Coding change: c.2120T>C on transcript NM_003816.3 (MANE Select); coding-DNA position 2120, T replaced by C.
Protein change: p.Val707Ala; replaces valine 707 with alanine.
Molecular consequence: missense variant. On other transcripts: non-coding transcript variant (2).
Genome position (GRCh38, 1-based): chr8:39,090,098, T>C. VCF-style: chr8-39090098-T-C. GRCh37 (hg19) VCF-style: chr8-38947617-T-C.
Other names: short protein forms V707A.
Identifiers: ClinVar variation 1057339 (VCV001057339.4), dbSNP rs769116186, ClinGen allele CA4721810.

ClinVar aggregate classification (germline): Uncertain significance (1 of 4 stars; one submission).

Allele frequency attached by ClinVar (database versions not stated): ExAC 0.00003; gnomAD 0.00004; gnomAD exomes 0.00002; TOPMed 0.00003.
gnomAD v4.1: 44 of 1,613,802 alleles (0.0027%); highest among the groups gnomAD compares: Middle Eastern, 0.016%; no homozygotes.

Submission:

Labcorp Genetics (formerly Invitae), Labcorp
Classification: Uncertain significance. Last evaluated: 2024-10-26. Review status: criteria provided, single submitter. Criteria: Invitae Variant Classification Sherloc (09022015). Collection method: clinical testing. Allele origin: germline.
Comment: This sequence change replaces valine, which is neutral and non-polar, with alanine, which is neutral and non-polar, at codon 707 of the ADAM9 protein (p.Val707Ala). This variant is present in population databases (rs769116186, gnomAD 0.005%). This variant has not been reported in the literature in individuals affected with ADAM9-related conditions. ClinVar contains an entry for this variant (Variation ID: 1057339). Invitae Evidence Modeling of protein sequence and biophysical properties (such as structural, functional, and spatial information, amino acid conservation, physicochemical variation, residue mobility, and thermodynamic stability) indicates that this missense variant is not expected to disrupt ADAM9 protein function with a negative predictive value of 80%. In summary, the available evidence is currently insufficient to determine the role of this variant in disease. Therefore, it has been classified as a Variant of Uncertain Significance.